The following is an entry in ClinVar:

ClinVar aggregate classification (germline): Uncertain significance. Review status: criteria provided, multiple submitters, no conflicts (2 of 4 stars). 3 submissions from 3 submitters: Uncertain significance (3). Last evaluated 2024-12-20.

Conditions:
Congenital contractural arachnodactyly (CCA). Also called: Beals-Hecht syndrome; BEALS SYNDROME; Arthrogryposis, distal, type 9. Identifiers: Orphanet 115, MedGen C0220668, MONDO:0007363, OMIM 121050.

Allele frequency attached by ClinVar (database versions not stated): gnomAD exomes below 0.00001 and 0.00001; ExAC 0.00001; TOPMed 0.00002.
gnomAD v4.1: 14 of 1,614,120 alleles (0.00087%); highest among the groups gnomAD compares: Non-Finnish European, 0.0012%; no homozygotes.

Submissions (3):

Labcorp Genetics (formerly Invitae), Labcorp
Classification: Uncertain significance for Congenital contractural arachnodactyly. Last evaluated: 2024-12-20. Review status: criteria provided, single submitter. Criteria: Invitae Variant Classification Sherloc (09022015). Collection method: clinical testing. Allele origin: germline.
Comment: This sequence change replaces glycine, which is neutral and non-polar, with arginine, which is basic and polar, at codon 990 of the FBN2 protein (p.Gly990Arg). This variant is present in population databases (rs749854367, gnomAD 0.0009%). This variant has not been reported in the literature in individuals affected with FBN2-related conditions. ClinVar contains an entry for this variant (Variation ID: 213295). Invitae Evidence Modeling of protein sequence and biophysical properties (such as structural, functional, and spatial information, amino acid conservation, physicochemical variation, residue mobility, and thermodynamic stability) indicates that this missense variant is not expected to disrupt FBN2 protein function with a negative predictive value of 80%. In summary, the available evidence is currently insufficient to determine the role of this variant in disease. Therefore, it has been classified as a Variant of Uncertain Significance.

ARUP Laboratories, Molecular Genetics and Genomics, ARUP Laboratories
Classification: Uncertain significance. Last evaluated: 2024-12-18. Review status: criteria provided, single submitter. Criteria: ARUP Molecular Germline Variant Investigation Process 2024. Collection method: clinical testing. Allele origin: germline.
Comment: The FBN2 c.2968G>A; p.Gly990Arg variant (rs749854367), to our knowledge, is not reported in the medical literature but is reported in ClinVar (Variation ID: 213295). This variant is only observed on one allele in the Genome Aggregation Database (v2.1.1), indicating it is not a common polymorphism. Computational analyses are uncertain whether this variant is neutral or deleterious (REVEL: 0.553). Due to limited information, the clinical significance of this variant is uncertain at this time.

GeneDx
Classification: Uncertain significance. Last evaluated: 2022-02-22. Review status: criteria provided, single submitter. Criteria: GeneDx Variant Classification Process June 2021. Collection method: clinical testing. Allele origin: germline. Affected: yes.
Comment: Has not been previously published as pathogenic or benign to our knowledge; Not observed at significant frequency in large population cohorts (gnomAD); In silico analysis supports that this missense variant does not alter protein structure/function

NM_001999.4(FBN2):c.2968G>A (p.Gly990Arg)

Gene: FBN2 (fibrillin 2; minus strand). Cytogenetic location: 5q23.3.
Variant type: single nucleotide variant.
Coding change: c.2968G>A on transcript NM_001999.4 (MANE Select); coding-DNA position 2968, G replaced by A.
Protein change: p.Gly990Arg; replaces glycine 990 with arginine.
Molecular consequence: missense variant.
Genome position (GRCh38, 1-based): chr5:128,349,368, C>T on the plus strand (G>A on the coding strand, the complement: FBN2 is on the minus strand). VCF-style: chr5-128349368-C-T. GRCh37 (hg19) VCF-style: chr5-127685060-C-T.
Other names: short protein forms G990R.
Identifiers: ClinVar variation 213295 (VCV000213295.12), dbSNP rs749854367, ClinGen allele CA320367.